The following is an entry in ClinVar:

ClinVar aggregate classification (germline): Uncertain significance (1 of 4 stars; one submission).

Submission:

Labcorp Genetics (formerly Invitae), Labcorp
Classification: Uncertain significance. Last evaluated: 2024-12-17. Review status: criteria provided, single submitter. Criteria: Invitae Variant Classification Sherloc (09022015). Collection method: clinical testing. Allele origin: germline.
Comment: This variant, c.2868_2891dup, results in the insertion of 8 amino acid(s) of the KAT6A protein (p.Ala957_Glu964dup), but otherwise preserves the integrity of the reading frame. This variant is not present in population databases (gnomAD no frequency). This variant has not been reported in the literature in individuals affected with KAT6A-related conditions. In summary, the available evidence is currently insufficient to determine the role of this variant in disease. Therefore, it has been classified as a Variant of Uncertain Significance.

NM_006766.5(KAT6A):c.2868_2891dup (p.Glu964_Gly965insAlaLeuLysCysArgLeuThrGlu)

Gene: KAT6A (lysine acetyltransferase 6A; minus strand). Cytogenetic location: 8p11.21.
Variant type: Duplication.
Coding change: c.2868_2891dup on transcript NM_006766.5 (MANE Select); coding-DNA positions 2868 to 2891, 24 bases duplicated (GGCTCTGAAGTGCAGATTAACAGA).
Protein change: p.Glu964_Gly965insAlaLeuLysCysArgLeuThrGlu.
Genome position (GRCh38, 1-based): chr8:41,940,990-41,941,013, TCTGTTAATCTGCACTTCAGAGCC duplicated on the plus strand (GGCTCTGAAGTGCAGATTAACAGA on the coding strand, the reverse complement: KAT6A is on the minus strand); duplicating any 24 consecutive bases within chr8:41,940,990-41,941,015 gives the same sequence; the c. name uses the placement nearest the transcript's 3' end. VCF-style (leftmost placement, unchanged base first): chr8-41940989-T-TTCTGTTAATCTGCACTTCAGAGCC. GRCh37 (hg19) VCF-style: chr8-41798507-T-TTCTGTTAATCTGCACTTCAGAGCC.
Identifiers: ClinVar variation 3727519 (VCV003727519.2).